The following is an entry in ClinVar:

ClinVar aggregate classification (germline): Uncertain significance (1 of 4 stars; one submission).

Conditions:
Autosomal recessive limb-girdle muscular dystrophy type 2A (LGMDR1). Also called: LEYDEN-MOEBIUS MUSCULAR DYSTROPHY; MUSCULAR DYSTROPHY, PELVOFEMORAL; Muscular dystrophy, limb-girdle, type 2A, Amish; Limb-girdle muscular dystrophy, type 2A; Calpainopathy. Identifiers: Orphanet 267, MedGen C1869123, MONDO:0009675, OMIM 253600. Disease mechanism: loss of function.

Allele frequency attached by ClinVar (database versions not stated): ExAC 0.00001; gnomAD exomes 0.00002.
gnomAD v4.1: 22 of 1,613,650 alleles (0.0014%); highest among the groups gnomAD compares: Non-Finnish European, 0.0019%; no homozygotes.

Submission:

Labcorp Genetics (formerly Invitae), Labcorp
Classification: Uncertain significance for Autosomal recessive limb-girdle muscular dystrophy type 2A. Last evaluated: 2023-12-26. Review status: criteria provided, single submitter. Criteria: Invitae Variant Classification Sherloc (09022015). Collection method: clinical testing. Allele origin: germline.
Comment: This sequence change replaces glutamic acid, which is acidic and polar, with aspartic acid, which is acidic and polar, at codon 435 of the CAPN3 protein (p.Glu435Asp). This variant is present in population databases (rs747596881, gnomAD 0.0009%). This variant has not been reported in the literature in individuals affected with CAPN3-related conditions. Advanced modeling of protein sequence and biophysical properties (such as structural, functional, and spatial information, amino acid conservation, physicochemical variation, residue mobility, and thermodynamic stability) performed at Invitae indicates that this missense variant is not expected to disrupt CAPN3 protein function with a negative predictive value of 80%. This variant disrupts the p.Glu435 amino acid residue in CAPN3. Other variant(s) that disrupt this residue have been determined to be pathogenic (PMID: 18854869, 19226146, 20635405). This suggests that this residue is clinically significant, and that variants that disrupt this residue are likely to be disease-causing. In summary, the available evidence is currently insufficient to determine the role of this variant in disease. Therefore, it has been classified as a Variant of Uncertain Significance.

Literature cited by the submitters: PubMed 18854869; PubMed 19226146; PubMed 20635405.

NM_000070.3(CAPN3):c.1305G>C (p.Glu435Asp)

Gene: CAPN3 (calpain 3; plus strand). Cytogenetic location: 15q15.1.
Variant type: single nucleotide variant.
Coding change: c.1305G>C on transcript NM_000070.3 (MANE Select); coding-DNA position 1305, G replaced by C.
Protein change: p.Glu435Asp; replaces glutamic acid 435 with aspartic acid.
Molecular consequence: missense variant.
Genome position (GRCh38, 1-based): chr15:42,399,603, G>C. VCF-style: chr15-42399603-G-C. GRCh37 (hg19) VCF-style: chr15-42691801-G-C.
Other names: c.1305G>C, p.Glu435Asp (NM_024344.2); c.1161G>C, p.Glu387Asp (NM_173087.2); c.1044G>C, p.Glu348Asp (NM_212464.2); c.*998G>C (NM_212467.2); short protein forms E435D, E348D, E387D.
Identifiers: ClinVar variation 2710039 (VCV002710039.3), dbSNP rs747596881, ClinGen allele CA7511314.